The following is an entry in ClinVar:

ClinVar aggregate classification (germline): Likely benign (0 of 4 stars; one submission).

Conditions:
ADGRE2-related disorder. Also called: ADGRE2-related condition.

Allele frequency attached by ClinVar (database versions not stated): ExAC 0.00009; 1000 Genomes Project 0.00020; 1000 Genomes Project 30x 0.00031; gnomAD 0.00035; TOPMed 0.00057.
gnomAD v4.1: 103 of 1,613,066 alleles (0.0064%); highest among the groups gnomAD compares: Admixed American, 0.14%; no homozygotes.

Submission:

PreventionGenetics, part of Exact Sciences
Classification: Likely benign for ADGRE2-related condition. Last evaluated: 2019-07-16. Review status: no assertion criteria provided. Collection method: clinical testing. Allele origin: germline.
Comment: This variant is classified as likely benign based on ACMG/AMP sequence variant interpretation guidelines (Richards et al. 2015 PMID: 25741868, with internal and published modifications).

NM_013447.4(ADGRE2):c.-10A>T

Gene: ADGRE2 (adhesion G protein-coupled receptor E2; minus strand). Cytogenetic location: 19p13.12.
Variant type: single nucleotide variant.
Coding change: c.-10A>T on transcript NM_013447.4 (MANE Select); 10 bases upstream of the start codon, A replaced by T.
Molecular consequence: 5 prime UTR variant.
Genome position (GRCh38, 1-based): chr19:14,776,766, T>A on the plus strand (A>T on the coding strand, the complement: ADGRE2 is on the minus strand). VCF-style: chr19-14776766-T-A. GRCh37 (hg19) VCF-style: chr19-14887578-T-A.
Other names: c.-10A>T (NM_001271052.1, NM_152916.2, NM_152917.2).
Identifiers: ClinVar variation 3049533 (VCV003049533.2), dbSNP rs550516101, ClinGen allele CA9258370.